The following is an entry in ClinVar:

ClinVar aggregate classification (germline): Uncertain significance. Review status: criteria provided, single submitter (1 of 4 stars). 2 submissions from 2 submitters: Uncertain significance (1). 1 of the submissions does not count toward it. Last evaluated 2021-08-27.

Conditions:
T-B+ severe combined immunodeficiency due to JAK3 deficiency. Also called: SCID, autosomal recessive, T-negative/B-positive type; SCID, T CELL-NEGATIVE, B CELL-POSITIVE, NK CELL-NEGATIVE. Identifiers: Orphanet 35078, MedGen C1833275, MONDO:0010938, OMIM 600802.

Allele frequency attached by ClinVar (database versions not stated): gnomAD exomes below 0.00001; TOPMed 0.00001.
gnomAD v4.1: 3 of 1,584,176 alleles (0.00019%); highest among the groups gnomAD compares: Admixed American, 0.0017%; no homozygotes.

Submissions (2):

Labcorp Genetics (formerly Invitae), Labcorp
Classification: Uncertain significance for T-B+ severe combined immunodeficiency due to JAK3 deficiency. Last evaluated: 2021-08-27. Review status: criteria provided, single submitter. Criteria: Invitae Variant Classification Sherloc (09022015). Collection method: clinical testing. Allele origin: germline.
Comment: This sequence change replaces tryptophan with cysteine at codon 281 of the JAK3 protein (p.Trp281Cys). The tryptophan residue is moderately conserved and there is a large physicochemical difference between tryptophan and cysteine. This variant is not present in population databases (ExAC no frequency). This variant has not been reported in the literature in individuals affected with JAK3-related conditions. ClinVar contains an entry for this variant (Variation ID: 134582). Algorithms developed to predict the effect of missense changes on protein structure and function are either unavailable or do not agree on the potential impact of this missense change (SIFT: "Tolerated"; PolyPhen-2: "Probably Damaging"; Align-GVGD: "Class C15"). In summary, the available evidence is currently insufficient to determine the role of this variant in disease. Therefore, it has been classified as a Variant of Uncertain Significance.

ITMI
No classification provided. Condition: AllHighlyPenetrant. Last evaluated: 2013-09-19. Review status: no classification provided. Collection method: reference population. Allele origin: germline. Not counted in ClinVar's aggregate classification.
Comment: Please see associated publication for description of ethnicities

Literature cited by the submitters: PubMed 24728327 (cited by ITMI).

NM_000215.4(JAK3):c.843G>C (p.Trp281Cys)

Gene: JAK3 (Janus kinase 3; minus strand). Cytogenetic location: 19p13.11.
Variant type: single nucleotide variant.
Coding change: c.843G>C on transcript NM_000215.4 (MANE Select); coding-DNA position 843, G replaced by C.
Protein change: p.Trp281Cys; replaces tryptophan 281 with cysteine.
Molecular consequence: missense variant.
Genome position (GRCh38, 1-based): chr19:17,842,334, C>G on the plus strand (G>C on the coding strand, the complement: JAK3 is on the minus strand). VCF-style: chr19-17842334-C-G. GRCh37 (hg19) VCF-style: chr19-17953143-C-G.
Other names: short protein forms W281C.
Identifiers: ClinVar variation 134582 (VCV000134582.6), dbSNP rs587778419, ClinGen allele CA160255.
Genomic context (GRCh38, chr19:17,842,334, plus strand): 5'-GCCCCCACGTTGGCCCCGCCCAGCGGGGGAGTCCGCCCTCACCTCCTGTTCTCCCTGGGT[C>G]CAGGCGATGCCGCCGTCACCAGCCACGCGGAGCAGCCCCAGCCCGTCGTGGCCACCAAGG-3'
Protein context (NP_000206.2, residues 271-291): LRVAGDGGIA[Trp281Cys]TQGEQEVLQP